The following is an entry in ClinVar:

ClinVar aggregate classification (germline): Uncertain significance (1 of 4 stars; one submission).

Conditions:
Myofibrillar myopathy 4. Also called: Zaspopathy (type). Identifiers: Orphanet 98912, MedGen C4721886, MONDO:0012277, OMIM 609452.

Submission:

Labcorp Genetics (formerly Invitae), Labcorp
Classification: Uncertain significance for Myofibrillar myopathy 4. Last evaluated: 2025-06-15. Review status: criteria provided, single submitter. Criteria: Invitae Variant Classification Sherloc (09022015). Collection method: clinical testing. Allele origin: germline.
Comment: This sequence change replaces glycine, which is neutral and non-polar, with glutamic acid, which is acidic and polar, at codon 19 of the LDB3 protein (p.Gly19Glu). This variant is not present in population databases (gnomAD no frequency). This variant has not been reported in the literature in individuals affected with LDB3-related conditions. ClinVar contains an entry for this variant (Variation ID: 936330). An algorithm developed to predict the effect of missense changes on protein structure and function (PolyPhen-2) suggests that this variant is likely to be disruptive. In summary, the available evidence is currently insufficient to determine the role of this variant in disease. Therefore, it has been classified as a Variant of Uncertain Significance.

NM_007078.3(LDB3):c.56G>A (p.Gly19Glu)

Gene: LDB3 (LIM domain binding 3; plus strand). Cytogenetic location: 10q23.2.
Variant type: single nucleotide variant.
Coding change: c.56G>A on transcript NM_007078.3 (MANE Select); coding-DNA position 56, G replaced by A.
Protein change: p.Gly19Glu; replaces glycine 19 with glutamic acid.
Molecular consequence: missense variant.
Genome position (GRCh38, 1-based): chr10:86,668,747, G>A. VCF-style: chr10-86668747-G-A. GRCh37 (hg19) VCF-style: chr10-88428504-G-A.
Other names: c.56G>A, p.Gly19Glu (NM_001080116.1, NM_001080114.2, NM_001080115.2 and 8 more transcripts); short protein forms G19E.
Identifiers: ClinVar variation 936330 (VCV000936330.10), dbSNP rs753314972, ClinGen allele CA377448767.